The following is an entry in ClinVar:

ClinVar aggregate classification (germline): Uncertain significance (1 of 4 stars; one submission).

gnomAD v4.1: 1 of 1,613,326 alleles (0.000062%); highest among the groups gnomAD compares: South Asian, 0.0011%; no homozygotes.

Submission:

Labcorp Genetics (formerly Invitae), Labcorp
Classification: Uncertain significance. Last evaluated: 2025-05-26. Review status: criteria provided, single submitter. Criteria: Invitae Variant Classification Sherloc (09022015). Collection method: clinical testing. Allele origin: germline.
Comment: This sequence change replaces glycine, which is neutral and non-polar, with alanine, which is neutral and non-polar, at codon 128 of the COL11A1 protein (p.Gly128Ala). This variant is not present in population databases (gnomAD no frequency). This variant has not been reported in the literature in individuals affected with COL11A1-related conditions. An algorithm developed to predict the effect of missense changes on protein structure and function (PolyPhen-2) suggests that this variant is likely to be disruptive. In summary, the available evidence is currently insufficient to determine the role of this variant in disease. Therefore, it has been classified as a Variant of Uncertain Significance.

NM_001854.4(COL11A1):c.383G>C (p.Gly128Ala)

Gene: COL11A1 (collagen type XI alpha 1 chain; minus strand). Cytogenetic location: 1p21.1.
Variant type: single nucleotide variant.
Coding change: c.383G>C on transcript NM_001854.4 (MANE Select); coding-DNA position 383, G replaced by C.
Protein change: p.Gly128Ala; replaces glycine 128 with alanine.
Molecular consequence: missense variant. On other transcripts: non-coding transcript variant (1).
Genome position (GRCh38, 1-based): chr1:103,078,763, C>G on the plus strand (G>C on the coding strand, the complement: COL11A1 is on the minus strand). VCF-style: chr1-103078763-C-G. GRCh37 (hg19) VCF-style: chr1-103544319-C-G.
Other names: c.383G>C, p.Gly128Ala (NM_001190709.2, NM_080629.3, NM_080630.4); short protein forms G128A.
Identifiers: ClinVar variation 4720264 (VCV004720264.1).